The following is an entry in ClinVar:

ClinVar aggregate classification (germline): Uncertain significance (1 of 4 stars; one submission).

Conditions:
Neuropathy, hereditary sensory, type 2C. Also called: Hereditary sensory and autonomic neuropathy type IIC; KIF1A-Related HSAN2 (HSAN2C). Identifiers: Orphanet 970, MedGen C3280168, MONDO:0013634, OMIM 614213.
Intellectual disability, autosomal dominant 9 (NESCAVS). Also called: KIF1A-Related Neurodevelopmental Disorder; NESCAV SYNDROME. Identifiers: Orphanet 662367, MedGen C5393830, MONDO:0013656, OMIM 614255.
Hereditary spastic paraplegia 30. Identifiers: Orphanet 101010, MedGen C5235139, MONDO:0012476.

Submission:

Labcorp Genetics (formerly Invitae), Labcorp
Classification: Uncertain significance for Hereditary spastic paraplegia 30; Neuropathy, hereditary sensory, type 2C; Intellectual disability, autosomal dominant 9. Last evaluated: 2023-07-09. Review status: criteria provided, single submitter. Criteria: Invitae Variant Classification Sherloc (09022015). Collection method: clinical testing. Allele origin: germline.
Comment: In summary, the available evidence is currently insufficient to determine the role of this variant in disease. Therefore, it has been classified as a Variant of Uncertain Significance. Advanced modeling of protein sequence and biophysical properties (such as structural, functional, and spatial information, amino acid conservation, physicochemical variation, residue mobility, and thermodynamic stability) performed at Invitae indicates that this missense variant is expected to disrupt KIF1A protein function. ClinVar contains an entry for this variant (Variation ID: 961924). This variant has not been reported in the literature in individuals affected with KIF1A-related conditions. This variant is not present in population databases (gnomAD no frequency). This sequence change replaces leucine, which is neutral and non-polar, with phenylalanine, which is neutral and non-polar, at codon 508 of the KIF1A protein (p.Leu508Phe).

NM_001244008.2(KIF1A):c.1549C>T (p.Leu517Phe)

Gene: KIF1A (kinesin family member 1A; minus strand). Cytogenetic location: 2q37.3.
Variant type: single nucleotide variant.
Coding change: c.1549C>T on transcript NM_001244008.2 (MANE Select); coding-DNA position 1549, C replaced by T.
Protein change: p.Leu517Phe; replaces leucine 517 with phenylalanine.
Molecular consequence: missense variant.
Genome position (GRCh38, 1-based): chr2:240,767,294, G>A on the plus strand (C>T on the coding strand, the complement: KIF1A is on the minus strand). VCF-style: chr2-240767294-G-A. GRCh37 (hg19) VCF-style: chr2-241706711-G-A.
Other names: c.1549C>T, p.Leu517Phe (NM_001320705.2, NM_001330289.2, NM_001379638.1); c.1624C>T, p.Leu542Phe (NM_001330290.2, NM_001379631.1, NM_001379634.1 and 2 more transcripts); c.1522C>T, p.Leu508Phe (NM_001379632.1, NM_001379633.1, NM_001379636.1 and 10 more transcripts); c.1597C>T, p.Leu533Phe (NM_001379637.1, NM_001379648.1); short protein forms L508F, L517F, L533F, L542F.
Identifiers: ClinVar variation 961924 (VCV000961924.10), dbSNP rs2051325258, ClinGen allele CA351328504.